The following is an entry in ClinVar:

ClinVar aggregate classification (germline): Uncertain significance (1 of 4 stars; one submission).

Conditions:
Hereditary pancreatitis (PCTT). Also called: Hereditary chronic pancreatitis; PRSS1-Related Hereditary Pancreatitis. Identifiers: Orphanet 676, MedGen C0238339, MONDO:0008185, OMIM 167800.

Submission:

Labcorp Genetics (formerly Invitae), Labcorp
Classification: Uncertain significance for Hereditary pancreatitis. Last evaluated: 2024-03-13. Review status: criteria provided, single submitter. Criteria: Invitae Variant Classification Sherloc (09022015). Collection method: clinical testing. Allele origin: germline.
Comment: This sequence change replaces leucine, which is neutral and non-polar, with valine, which is neutral and non-polar, at codon 148 of the CTRC protein (p.Leu148Val). This variant is not present in population databases (gnomAD no frequency). This variant has not been reported in the literature in individuals affected with CTRC-related conditions. Advanced modeling of protein sequence and biophysical properties (such as structural, functional, and spatial information, amino acid conservation, physicochemical variation, residue mobility, and thermodynamic stability) performed at Invitae indicates that this missense variant is not expected to disrupt CTRC protein function with a negative predictive value of 80%. In summary, the available evidence is currently insufficient to determine the role of this variant in disease. Therefore, it has been classified as a Variant of Uncertain Significance.

NM_007272.3(CTRC):c.442C>G (p.Leu148Val)

Gene: CTRC (chymotrypsin C; plus strand). Cytogenetic location: 1p36.21.
Variant type: single nucleotide variant.
Coding change: c.442C>G on transcript NM_007272.3 (MANE Select); coding-DNA position 442, C replaced by G.
Protein change: p.Leu148Val; replaces leucine 148 with valine.
Molecular consequence: missense variant.
Genome position (GRCh38, 1-based): chr1:15,443,504, C>G. VCF-style: chr1-15443504-C-G. GRCh37 (hg19) VCF-style: chr1-15769999-C-G.
Other names: short protein forms L148V.
Identifiers: ClinVar variation 3730491 (VCV003730491.2).
Genomic context (GRCh38, chr1:15,443,504, plus strand): 5'-GCAGAGCATGTGGAGCTGAGTGACACCATCCAGGTGGCCTGCCTGCCAGAGAAGGACTCC[C>G]TGCTCCCCAAGGACTACCCCTGCTATGTCACCGGCTGGGGCCGCCTCTGGAGTGAGTATC-3'
Protein context (NP_009203.2, residues 138-158): QVACLPEKDS[Leu148Val]LPKDYPCYVT